The following is an entry in ClinVar:

ClinVar aggregate classification (germline): Conflicting classifications of pathogenicity. Review status: criteria provided, conflicting classifications (1 of 4 stars). 7 submissions from 3 submitters: Uncertain significance (3); Benign (2); Likely benign (2). Last evaluated 2026-02-01.

Conditions:
Cardiovascular phenotype. Identifiers: MedGen CN230736.
Dilated cardiomyopathy 1G (CMD1G). Identifiers: Orphanet 154, MedGen C1858763, MONDO:0011400, OMIM 604145.
Autosomal recessive limb-girdle muscular dystrophy type 2J (LGMDR10). Also called: MUSCULAR DYSTROPHY, LIMB-GIRDLE, AUTOSOMAL RECESSIVE 10; Limb-girdle muscular dystrophy, type 2J. Identifiers: Orphanet 140922, MedGen C1837342, MONDO:0012127, OMIM 608807.
Myopathy, myofibrillar, 9, with early respiratory failure (MFM9). Also called: Myopathy, distal, with early respiratory failure, autosomal dominant; Hereditary myopathy with early respiratory failure; EDSTROM MYOPATHY; MYOPATHY, PROXIMAL, WITH EARLY RESPIRATORY MUSCLE INVOLVEMENT. Identifiers: Orphanet 178464, Orphanet 34521, MedGen C1863599, MONDO:0011362, OMIM 603689.
Tibial muscular dystrophy (TMD). Also called: Udd Distal Myopathy – Tibial Muscular Dystrophy; UDD MYOPATHY; Tibial muscular dystrophy, tardive. Identifiers: Orphanet 609, MedGen C1838244, MONDO:0010870, OMIM 600334.
Early-onset myopathy with fatal cardiomyopathy (CMYO5). Also called: CONGENITAL MYOPATHY 5 WITH CARDIOMYOPATHY; Salih Myopathy. Identifiers: Orphanet 289377, MedGen C2673677, MONDO:0012714, OMIM 611705. Disease mechanism: loss of function.

Allele frequency attached by ClinVar (database versions not stated): gnomAD below 0.00001 and 0.00001; gnomAD exomes 0.00001 and 0.00002; TOPMed 0.00002; ExAC 0.00003; 1000 Genomes Project 0.00020; 1000 Genomes Project 30x 0.00031.
gnomAD v4.1: 15 of 1,613,666 alleles (0.00093%); highest among the groups gnomAD compares: South Asian, 0.013%; no homozygotes.

Submissions (7):

Labcorp Genetics (formerly Invitae), Labcorp
Classification: Likely benign for Dilated cardiomyopathy 1G; Autosomal recessive limb-girdle muscular dystrophy type 2J. Last evaluated: 2026-02-01. Review status: criteria provided, single submitter. Criteria: Invitae Variant Classification Sherloc (09022015). Collection method: clinical testing. Allele origin: germline.

Ambry Genetics
Classification: Likely benign for Cardiovascular phenotype. Last evaluated: 2026-01-12. Review status: criteria provided, single submitter. Criteria: Ambry Variant Classification Scheme 2023. Collection method: clinical testing. Allele origin: germline.

Illumina Laboratory Services, Illumina
Classification: Benign for Myopathy, myofibrillar, 9, with early respiratory failure. Last evaluated: 2018-01-13. Review status: criteria provided, single submitter. Criteria: ICSL Variant Classification Criteria 13 December 2019. Collection method: clinical testing. Allele origin: germline.
Comment: This variant was observed in the ICSL laboratory as part of a predisposition screen in an ostensibly healthy population. It had not been previously curated by ICSL or reported in the Human Gene Mutation Database (HGMD: prior to June 1st, 2018), and was therefore a candidate for classification through an automated scoring system. Utilizing variant allele frequency, disease prevalence and penetrance estimates, and inheritance mode, an automated score was calculated to assess if this variant is too frequent to cause the disease. Based on the score and internal cut-off values, a variant classified as benign is not then subjected to further curation. The score for this variant resulted in a classification of benign for this disease.

Illumina Laboratory Services, Illumina
Classification: Uncertain significance for Autosomal recessive limb-girdle muscular dystrophy type 2J. Last evaluated: 2018-01-13. Review status: criteria provided, single submitter. Criteria: ICSL Variant Classification Criteria 13 December 2019. Collection method: clinical testing. Allele origin: germline.

Illumina Laboratory Services, Illumina
Classification: Uncertain significance for Dilated cardiomyopathy 1G. Last evaluated: 2018-01-13. Review status: criteria provided, single submitter. Criteria: ICSL Variant Classification Criteria 13 December 2019. Collection method: clinical testing. Allele origin: germline.

Illumina Laboratory Services, Illumina
Classification: Benign for Tibial muscular dystrophy. Last evaluated: 2018-01-13. Review status: criteria provided, single submitter. Criteria: ICSL Variant Classification Criteria 13 December 2019. Collection method: clinical testing. Allele origin: germline.
Comment: the same text as in the submission from Illumina Laboratory Services, Illumina above.

Illumina Laboratory Services, Illumina
Classification: Uncertain significance for Early-onset myopathy with fatal cardiomyopathy. Last evaluated: 2018-01-13. Review status: criteria provided, single submitter. Criteria: ICSL Variant Classification Criteria 13 December 2019. Collection method: clinical testing. Allele origin: germline.

NM_001267550.2(TTN):c.5001T>C (p.Tyr1667=)

Gene: TTN (titin; minus strand). Cytogenetic location: 2q31.2.
Variant type: single nucleotide variant.
Coding change: c.5001T>C on transcript NM_001267550.2 (MANE Select); coding-DNA position 5001, T replaced by C.
Protein change: p.Tyr1667=; no amino-acid change (tyrosine 1667 retained).
Molecular consequence: synonymous variant.
Genome position (GRCh38, 1-based): chr2:178,776,863, A>G on the plus strand (T>C on the coding strand, the complement: TTN is on the minus strand). VCF-style: chr2-178776863-A-G. GRCh37 (hg19) VCF-style: chr2-179641590-A-G.
Other names: c.5001T>C, p.Tyr1667= (NM_133378.4, NM_001256850.1, NM_133379.5); c.4863T>C, p.Tyr1621= (NM_003319.4, NM_133432.3, NM_133437.4).
Identifiers: ClinVar variation 332955 (VCV000332955.14), dbSNP rs540957547, ClinGen allele CA2005232.